The following is an entry in ClinVar:

ClinVar aggregate classification (germline): Benign/Likely benign. Review status: criteria provided, multiple submitters, no conflicts (2 of 4 stars). 2 submissions from 2 submitters: Benign (1); Likely benign (1). Last evaluated 2024-06-12.

Conditions:
Familial cancer of breast. Also called: BREAST CANCER, FAMILIAL; Hereditary breast cancer; hereditary breast carcinoma. Identifiers: Orphanet 227535, MedGen C0346153, MONDO:0016419, OMIM 114480. Disease mechanism: loss of function.

Submissions (2):

Myriad Genetics, Inc.
Classification: Benign for Familial cancer of breast. Last evaluated: 2024-06-12. Review status: criteria provided, single submitter. Criteria: Myriad Autosomal Dominant, Autosomal Recessive and X-Linked Classification Criteria (2023). Collection method: clinical testing. Allele origin: unknown.
Comment: This variant is considered benign. This variant is a silent/synonymous amino acid change and it is not expected to impact splicing.

GeneDx
Classification: Likely benign. Last evaluated: 2017-09-12. Review status: criteria provided, single submitter. Criteria: GeneDx Variant Classification (06012015). Collection method: clinical testing. Allele origin: germline. Affected: yes.
Comment: This variant is considered likely benign or benign based on one or more of the following criteria: it is a conservative change, it occurs at a poorly conserved position in the protein, it is predicted to be benign by multiple in silico algorithms, and/or has population frequency not consistent with disease.

NM_000051.4(ATM):c.6879G>A (p.Leu2293=)

Genes: ATM (ATM serine/threonine kinase; plus strand), C11orf65 (chromosome 11 open reading frame 65; minus strand). Cytogenetic location: 11q22.3.
Variant type: single nucleotide variant.
Coding change: c.6879G>A on transcript NM_000051.4 (MANE Select); coding-DNA position 6879, G replaced by A.
Protein change: p.Leu2293=; no amino-acid change (leucine 2293 retained).
Molecular consequence: synonymous variant. On other transcripts: intron variant (2).
Genome position (GRCh38, 1-based): chr11:108,326,129, G>A. VCF-style: chr11-108326129-G-A. GRCh37 (hg19) VCF-style: chr11-108196856-G-A.
Other names: c.6879G>A, p.Leu2293= (NM_001351834.2); c.641-17058C>T (NM_001330368.2); c.*38+9091C>T (NM_001351110.2).
Identifiers: ClinVar variation 512050 (VCV000512050.4), dbSNP rs1555119859, ClinGen allele CA476676326.